The following is an entry in ClinVar:

NM_017950.4(CCDC40):c.2830A>T (p.Lys944Ter)

Gene: CCDC40 (coiled-coil domain 40 molecular ruler complex subunit; plus strand). Cytogenetic location: 17q25.3.
Variant type: single nucleotide variant.
Coding change: c.2830A>T on transcript NM_017950.4 (MANE Select); coding-DNA position 2830, A replaced by T.
Protein change: p.Lys944Ter; replaces lysine 944 with a stop codon.
Molecular consequence: nonsense.
Genome position (GRCh38, 1-based): chr17:80,089,882, A>T. VCF-style: chr17-80089882-A-T. GRCh37 (hg19) VCF-style: chr17-78063681-A-T.
Other names: c.2830A>T, p.Lys944Ter (NM_001243342.2); short protein forms K944*.
Identifiers: ClinVar variation 2630660 (VCV002630660.1), dbSNP rs2510320263, ClinGen allele CA401351351.
Genomic context (GRCh38, chr17:80,089,882, plus strand): 5'-GTGGATTCCGAGATCGGCCAGACGGAGATCCGGGCCATGAAGGGCGAGATCCACAGGATG[A>T]AGGTGAGGGGAGGAGAGCGGCGTGGCAGGGCCTGCTGGGTGCCAGCCCTTGGGCTCTGGA-3'

ClinVar aggregate classification (germline): Likely pathogenic (1 of 4 stars; one submission).

Conditions:
CCDC40-related disorder. Also called: CCDC40-related condition.

Submission:

PreventionGenetics, part of Exact Sciences
Classification: Likely pathogenic for CCDC40-related condition. Last evaluated: 2023-08-18. Review status: criteria provided, single submitter. Criteria: ACMG Guidelines, 2015. Collection method: clinical testing. Allele origin: germline.
Comment: The CCDC40 c.2830A>T variant is predicted to result in premature protein termination (p.Lys944*). To our knowledge, this variant has not been reported in the literature or in a large population database, indicating this variant is rare. Nonsense variants in CCDC40 are expected to be pathogenic. This variant is interpreted as likely pathogenic.